The following is an entry in ClinVar:

ClinVar aggregate classification (germline): Uncertain significance (1 of 4 stars; one submission).

Submission:

Labcorp Genetics (formerly Invitae), Labcorp
Classification: Uncertain significance. Last evaluated: 2022-09-21. Review status: criteria provided, single submitter. Criteria: Invitae Variant Classification Sherloc (09022015). Collection method: clinical testing. Allele origin: germline.
Comment: In summary, the available evidence is currently insufficient to determine the role of this variant in disease. Therefore, it has been classified as a Variant of Uncertain Significance. Experimental studies and prediction algorithms are not available or were not evaluated, and the functional significance of this variant is currently unknown. This variant has not been reported in the literature in individuals affected with PPM1D-related conditions. This variant is not present in population databases (gnomAD no frequency). This sequence change creates a premature translational stop signal (p.Pro471Argfs*6) in the PPM1D gene. While this is not anticipated to result in nonsense mediated decay, it is expected to disrupt the last 135 amino acid(s) of the PPM1D protein.

NM_003620.4(PPM1D):c.1407_1410dup (p.Pro471fs)

Gene: PPM1D (protein phosphatase, Mg2+/Mn2+ dependent 1D; plus strand). Cytogenetic location: 17q23.2.
Variant type: Duplication.
Coding change: c.1407_1410dup on transcript NM_003620.4 (MANE Select); coding-DNA positions 1407 to 1410, 4 bases duplicated (AGAT; older notation c.1407_1410dupAGAT).
Protein change: p.Pro471fs; shifts the reading frame from proline 471.
Molecular consequence: frameshift variant.
Genome position (GRCh38, 1-based): chr17:60,663,141-60,663,144, AGAT duplicated. VCF-style (leftmost placement, unchanged base first): chr17-60663140-A-AAGAT. GRCh37 (hg19) VCF-style: chr17-58740501-A-AAGAT.
Other names: short protein forms P471fs.
Identifiers: ClinVar variation 2008719 (VCV002008719.4), dbSNP rs2544470111, ClinGen allele CA2580094568.